The following is an entry in ClinVar:

ClinVar aggregate classification (germline): Uncertain significance. Review status: criteria provided, multiple submitters, no conflicts (2 of 4 stars). 4 submissions from 4 submitters: Uncertain significance (4). Last evaluated 2026-08-06.

Conditions:
Microcephaly 17, primary, autosomal recessive (MCPH17). Identifiers: Orphanet 2512, MedGen C4310723, MONDO:0014908, OMIM 617090.

Allele frequency attached by ClinVar (database versions not stated): gnomAD exomes 0.00001 and 0.00006; ExAC 0.00004; gnomAD 0.00009 and 0.00011; TOPMed 0.00015; ESP Exome Variant Server 0.00023.
gnomAD v4.1: 40 of 1,613,996 alleles (0.0025%); highest among the groups gnomAD compares: African/African-American, 0.025%; no homozygotes.

Submissions (4):

OLLIN Analises Genomicas, OLLIN
Classification: Uncertain significance. Last evaluated: 2026-08-06. Review status: criteria provided, single submitter. Criteria: ACMG Guidelines 2015 PMID 25741868. Collection method: clinical testing. Allele origin: germline.
Comment: This missense variant, located in exon 27 (of 48), has been reported in ClinVar (accession VCV001207450.6) and in gnomAD with an allele frequency of 0.0025%. However, to our knowledge, it has not been reported in the scientific literature. In silico analysis predicts that this variant has a tolerated effect. This gene is constrained for missense variation. According to the currently available evidence, this variant has been classified as uncertain significance (PM2_P, PP2, BP4_M).

Neuberg Centre For Genomic Medicine, NCGM
Classification: Uncertain significance for Microcephaly 17, primary, autosomal recessive. Last evaluated: 2024-02-01. Review status: criteria provided, single submitter. Criteria: ACMG Guidelines, 2015. Collection method: clinical testing. Allele origin: germline. Inheritance: Autosomal recessive inheritance.
Comment: The missense c.3430G>A (p.Ala1144Thr) variant in CIT gene has not been reported previously as a pathogenic variant nor as a benign variant, to our knowledge. The p.Ala1144Thr variant is present with allele frequency of 0.006% in gnomAD Exomes. This variant has been submitted to the ClinVar database as Uncertain Significance. Multiple lines of computational evidence (Polyphen - Probably damaging, SIFT - Tolerated and MutationTaster - Disease causing) predicts conflicting evidence on protein structure and function for this variant. The reference amino acid at this position on CIT gene is predicted as conserved by GERP++ and PhyloP across 100 vertebrates. The amino acid Ala at position 1144 is changed to a Thr changing protein sequence and it might alter its composition and physico-chemical properties. For these reasons, this variant has been classified as Variant of Uncertain Significance (VUS).

Labcorp Genetics (formerly Invitae), Labcorp
Classification: Uncertain significance. Last evaluated: 2022-09-24. Review status: criteria provided, single submitter. Criteria: Invitae Variant Classification Sherloc (09022015). Collection method: clinical testing. Allele origin: germline.
Comment: This sequence change replaces alanine, which is neutral and non-polar, with threonine, which is neutral and polar, at codon 1144 of the CIT protein (p.Ala1144Thr). This variant is present in population databases (rs146605071, gnomAD 0.03%). This variant has not been reported in the literature in individuals affected with CIT-related conditions. ClinVar contains an entry for this variant (Variation ID: 1207450). Advanced modeling of protein sequence and biophysical properties (such as structural, functional, and spatial information, amino acid conservation, physicochemical variation, residue mobility, and thermodynamic stability) performed at Invitae indicates that this missense variant is not expected to disrupt CIT protein function. In summary, the available evidence is currently insufficient to determine the role of this variant in disease. Therefore, it has been classified as a Variant of Uncertain Significance.

GeneDx
Classification: Uncertain significance. Last evaluated: 2020-08-03. Review status: criteria provided, single submitter. Criteria: GeneDx Variant Classification Process June 2021. Collection method: clinical testing. Allele origin: germline. Affected: yes.
Comment: In silico analysis, which includes protein predictors and evolutionary conservation, supports that this variant does not alter protein structure/function; Has not been previously published as pathogenic or benign to our knowledge

NM_001206999.2(CIT):c.3430G>A (p.Ala1144Thr)

Gene: CIT (citron rho-interacting serine/threonine kinase; minus strand). Cytogenetic location: 12q24.23.
Variant type: single nucleotide variant.
Coding change: c.3430G>A on transcript NM_001206999.2 (MANE Select); coding-DNA position 3430, G replaced by A.
Protein change: p.Ala1144Thr; replaces alanine 1144 with threonine.
Molecular consequence: missense variant.
Genome position (GRCh38, 1-based): chr12:119,730,551, C>T on the plus strand (G>A on the coding strand, the complement: CIT is on the minus strand). VCF-style: chr12-119730551-C-T. GRCh37 (hg19) VCF-style: chr12-120168356-C-T.
Other names: c.3304G>A, p.Ala1102Thr (NM_007174.3); short protein forms A1102T, A1144T.
Identifiers: ClinVar variation 1207450 (VCV001207450.7), dbSNP rs146605071, ClinGen allele CA6821513.